The following is an entry in ClinVar:

NM_080732.4(EGLN2):c.157G>A (p.Val53Met)

Genes: EGLN2 (egl-9 family hypoxia inducible factor 2; plus strand), RAB4B-EGLN2 (RAB4B-EGLN2 readthrough (NMD candidate); plus strand). Cytogenetic location: 19q13.2.
Variant type: single nucleotide variant.
Coding change: c.157G>A on transcript NM_080732.4 (MANE Select); coding-DNA position 157, G replaced by A.
Protein change: p.Val53Met; replaces valine 53 with methionine.
Molecular consequence: missense variant. On other transcripts: non-coding transcript variant (1).
Genome position (GRCh38, 1-based): chr19:40,800,729, G>A. VCF-style: chr19-40800729-G-A. GRCh37 (hg19) VCF-style: chr19-41306634-G-A.
Other names: c.157G>A, p.Val53Met (NM_053046.4); short protein forms V53M.
Identifiers: ClinVar variation 1775659 (VCV001775659.2), dbSNP rs2515992952, ClinGen allele CA405954676.

ClinVar aggregate classification (germline): Uncertain significance (1 of 4 stars; one submission).

Submission:

Ambry Genetics
Classification: Uncertain significance. Last evaluated: 2024-03-20. Review status: criteria provided, single submitter. Criteria: Ambry Variant Classification Scheme 2023. Collection method: clinical testing. Allele origin: germline.
Comment: The p.V53M variant (also known as c.157G>A), located in coding exon 1 of the EGLN2 gene, results from a G to A substitution at nucleotide position 157. The valine at codon 53 is replaced by methionine, an amino acid with highly similar properties. This amino acid position is conserved. In addition, this alteration is predicted to be tolerated by in silico analysis. Since supporting evidence is limited at this time, the clinical significance of this alteration remains unclear.